The following is an entry in ClinVar:

ClinVar aggregate classification (germline): Pathogenic (1 of 4 stars; one submission).

Submission:

Clinical Genomics Laboratory, Laboratory for Precision Diagnostics, University of Washington
Classification: Pathogenic. Last evaluated: 2019-04-17. Review status: criteria provided, single submitter. Criteria: Clinical Cytogenomics Laboratory Policy on CNV Interpretation. Collection method: clinical testing. Allele origin: paternal. Affected: yes. Observed: 1 variant allele.
Comment: Low penetrance and variable expressivity

Literature cited by the submitters: PubMed 28387067; PubMed 21841781; PubMed 25689425; PubMed 23258348; PubMed 25596525; PubMed 25946043.

GRCh37/hg19 15q11.2(chr15:22299434-23226254)x1

Genes: OR4N4 (olfactory receptor family 4 subfamily N member 4; plus strand), CYFIP1 (cytoplasmic FMR1 interacting protein 1; minus strand), GOLGA6L1 (golgin A6 family like 1; minus strand), NIPA1 (NIPA magnesium transporter 1; plus strand), NIPA2 (NIPA magnesium transporter 2; plus strand) and 2 more. Cytogenetic location: 15q11.2.
Variant type: copy number loss.
Change: copy number 1 (one copy instead of two) of chr15:22,299,434-23,226,254 (926.8 kb, GRCh37 coordinates, 1-based), cytogenetic band 15q11.2.
Identifiers: ClinVar variation 929824 (VCV000929824.2).